The following is an entry in ClinVar:

NC_000022.10:g.(?_32870990)_(32875282_?)dup

Gene: FBXO7 (F-box protein 7; plus strand). Cytogenetic location: 22q12.3.
Variant type: Duplication.
Identifiers: ClinVar variation 1429863 (VCV001429863.4).

ClinVar aggregate classification (germline): Uncertain significance (1 of 4 stars; one submission).

Conditions:
Parkinsonian-pyramidal syndrome. Also called: PARKINSON DISEASE 15, AUTOSOMAL RECESSIVE; PARKINSON DISEASE 15, AUTOSOMAL RECESSIVE EARLY-ONSET; PALLIDOPYRAMIDAL SYNDROME. Identifiers: Orphanet 171695, MedGen C1850100, MONDO:0009830, OMIM 260300.

Submission:

Labcorp Genetics (formerly Invitae), Labcorp
Classification: Uncertain significance for Parkinsonian-pyramidal syndrome. Last evaluated: 2021-06-23. Review status: criteria provided, single submitter. Criteria: Invitae Variant Classification Sherloc (09022015). Collection method: clinical testing. Allele origin: germline.
Comment: This variant results in a copy number gain of the genomic region encompassing exon(s) 1-2 of the FBXO7 gene. This region includes the initiator codon of the gene. The 5' end of this event is unknown as it extends beyond the assayed region for this gene and therefore may encompass additional genes. The 3' boundary is likely confined to intron 2 of the FBXO7 gene. As the precise location of this event is unknown, it may be in tandem or it may be located elsewhere in the genome. This variant has not been reported in the literature in individuals with FBXO7-related conditions. In summary, the available evidence is currently insufficient to determine the role of this variant in disease. Therefore, it has been classified as a Variant of Uncertain Significance.